The following is an entry in ClinVar:

ClinVar aggregate classification (germline): Uncertain significance. Review status: criteria provided, multiple submitters, no conflicts (2 of 4 stars). 2 submissions from 2 submitters: Uncertain significance (2). Last evaluated 2026-02-26.

Conditions:
Inborn genetic diseases. Identifiers: MedGen C0950123, MeSH D030342.
SCAPER-related disorder. Also called: SCAPER-related condition.

Allele frequency attached by ClinVar (database versions not stated): ExAC 0.00002; gnomAD 0.00004; TOPMed 0.00005; gnomAD exomes 0.00007.
gnomAD v4.1: 111 of 1,612,444 alleles (0.0069%); highest among the groups gnomAD compares: Non-Finnish European, 0.0091%; no homozygotes.

Submissions (2):

PreventionGenetics, part of Exact Sciences
Classification: Uncertain significance for SCAPER-related condition. Last evaluated: 2026-02-26. Review status: criteria provided, single submitter. Criteria: ACMG Guidelines, 2015. Collection method: clinical testing. Allele origin: germline.
Comment: The SCAPER c.3040G>A variant is predicted to result in the amino acid substitution p.Val1014Ile. To our knowledge, this variant has not been reported in the literature. This variant is reported in 0.0078% of alleles in individuals of European (Non-Finnish) descent in gnomAD. At this time, the clinical significance of this variant is uncertain due to the absence of conclusive functional and genetic evidence.

Ambry Genetics
Classification: Uncertain significance for Inborn genetic diseases. Last evaluated: 2024-03-07. Review status: criteria provided, single submitter. Criteria: Ambry Variant Classification Scheme 2023. Collection method: clinical testing. Allele origin: germline.

NM_020843.4(SCAPER):c.3022G>A (p.Val1008Ile)

Gene: SCAPER (S-phase cyclin A associated protein in the ER; minus strand). Cytogenetic location: 15q24.3.
Variant type: single nucleotide variant.
Coding change: c.3022G>A on transcript NM_020843.4 (MANE Select); coding-DNA position 3022, G replaced by A.
Protein change: p.Val1008Ile; replaces valine 1008 with isoleucine.
Molecular consequence: missense variant. On other transcripts: non-coding transcript variant (1).
Genome position (GRCh38, 1-based): chr15:76,471,268, C>T on the plus strand (G>A on the coding strand, the complement: SCAPER is on the minus strand). VCF-style: chr15-76471268-C-T. GRCh37 (hg19) VCF-style: chr15-76763609-C-T.
Other names: c.2284G>A, p.Val762Ile (NM_001145923.2); c.3040G>A, p.Val1014Ile (NM_001353009.2); c.2620G>A, p.Val874Ile (NM_001353010.2, NM_001353012.2); c.2638G>A, p.Val880Ile (NM_001353011.2); c.3040G>A (NM_001353009.1); short protein forms V762I, V874I, V1014I, V880I, V1008I.
Identifiers: ClinVar variation 3158290 (VCV003158290.2), dbSNP rs770459947, ClinGen allele CA7674550.